The following is an entry in ClinVar:

NM_018129.4(PNPO):c.*352G>C

Gene: PNPO (pyridoxamine 5'-phosphate oxidase; plus strand). Cytogenetic location: 17q21.32.
Variant type: single nucleotide variant.
Coding change: c.*352G>C on transcript NM_018129.4 (MANE Select); 352 bases downstream of the stop codon, G replaced by C.
Molecular consequence: 3 prime UTR variant.
Genome position (GRCh38, 1-based): chr17:47,947,134, G>C. VCF-style: chr17-47947134-G-C. GRCh37 (hg19) VCF-style: chr17-46024500-G-C.
Identifiers: ClinVar variation 323917 (VCV000323917.6), dbSNP rs16949676, ClinGen allele CA10650421.

ClinVar aggregate classification (germline): Benign. Review status: criteria provided, multiple submitters, no conflicts (2 of 4 stars). 2 submissions from 2 submitters: Benign (2). Last evaluated 2018-01-12.

Conditions:
Pyridoxal phosphate-responsive seizures (PNPOD). Also called: Pyridoxal 5'-Phosphate (PLP)-Dependent Epilepsy; EPILEPTIC ENCEPHALOPATHY, NEONATAL, PNPO-RELATED; Pyridoxamine 5-Prime-Phosphate Oxidase Deficiency; Pyridoxine-5'-phosphate oxidase deficiency; SEIZURES, PYRIDOXINE-RESISTANT, PLP-SENSITIVE. Identifiers: Orphanet 79096, MedGen C1864723, MONDO:0012407, OMIM 610090. Disease mechanism: loss of function.

Allele frequency attached by ClinVar (database versions not stated): 1000 Genomes Project 30x 0.04107; 1000 Genomes Project 0.04373; TOPMed 0.05995; gnomAD 0.06547 and 0.06574.

Submissions (2):

Illumina Laboratory Services, Illumina
Classification: Benign for Pyridoxal phosphate-responsive seizures. Last evaluated: 2018-01-12. Review status: criteria provided, single submitter. Criteria: ICSL Variant Classification Criteria 13 December 2019. Collection method: clinical testing. Allele origin: germline.
Comment: This variant was observed in the ICSL laboratory as part of a predisposition screen in an ostensibly healthy population. It had not been previously curated by ICSL or reported in the Human Gene Mutation Database (HGMD: prior to June 1st, 2018), and was therefore a candidate for classification through an automated scoring system. Utilizing variant allele frequency, disease prevalence and penetrance estimates, and inheritance mode, an automated score was calculated to assess if this variant is too frequent to cause the disease. Based on the score and internal cut-off values, a variant classified as benign is not then subjected to further curation. The score for this variant resulted in a classification of benign for this disease.

Breakthrough Genomics
Classification: Benign. Review status: criteria provided, single submitter. Criteria: ACMG Guidelines, 2015. Collection method: not provided. Allele origin: germline. Inheritance: Autosomal recessive inheritance. Affected: yes.